The following is an entry in ClinVar:

ClinVar aggregate classification (germline): Uncertain significance (1 of 4 stars; one submission).

Conditions:
Charcot-Marie-Tooth disease type 4. Also called: Charcot-Marie-Tooth, Type 4; Charcot-Marie-Tooth disease, type IV. Identifiers: Orphanet 64749, MedGen C4082197, MONDO:0018995.

Allele frequency attached by ClinVar (database versions not stated): TOPMed 0.00002; gnomAD 0.00001; ExAC 0.00002; gnomAD exomes 0.00001.

Submission:

Labcorp Genetics (formerly Invitae), Labcorp
Classification: Uncertain significance for Charcot-Marie-Tooth disease type 4. Last evaluated: 2022-02-24. Review status: criteria provided, single submitter. Criteria: Invitae Variant Classification Sherloc (09022015). Collection method: clinical testing. Allele origin: germline.
Comment: This sequence change replaces arginine, which is basic and polar, with glutamine, which is neutral and polar, at codon 168 of the PRX protein (p.Arg168Gln). The frequency data for this variant in the population databases is considered unreliable, as metrics indicate poor data quality at this position in the gnomAD database. This variant has not been reported in the literature in individuals affected with PRX-related conditions. ClinVar contains an entry for this variant (Variation ID: 543358). Algorithms developed to predict the effect of missense changes on protein structure and function (SIFT, PolyPhen-2, Align-GVGD) all suggest that this variant is likely to be tolerated. Algorithms developed to predict the effect of sequence changes on RNA splicing suggest that this variant may create or strengthen a splice site. In summary, the available evidence is currently insufficient to determine the role of this variant in disease. Therefore, it has been classified as a Variant of Uncertain Significance.

NM_181882.3(PRX):c.503G>A (p.Arg168Gln)

Gene: PRX (periaxin; minus strand). Cytogenetic location: 19q13.2.
Variant type: single nucleotide variant.
Coding change: c.503G>A on transcript NM_181882.3 (MANE Select); coding-DNA position 503, G replaced by A.
Protein change: p.Arg168Gln; replaces arginine 168 with glutamine.
Molecular consequence: missense variant. On other transcripts: 3 prime UTR variant (1).
Genome position (GRCh38, 1-based): chr19:40,397,849, C>T on the plus strand (G>A on the coding strand, the complement: PRX is on the minus strand). VCF-style: chr19-40397849-C-T. GRCh37 (hg19) VCF-style: chr19-40903756-C-T.
Other names: c.*708G>A (NM_020956.2); short protein forms R168Q.
Identifiers: ClinVar variation 543358 (VCV000543358.9), dbSNP rs763833871, ClinGen allele CA9444438.
Genomic context (GRCh38, chr19:40,397,849, plus strand): 5'-AGGCGCCGGCGGGCAGGGGCAGCCGGGACAGGACCCTTGACAGCCTCGGCTTTGAGGCCC[C>T]GACGCAGGCGGGAGAACTTGGGAAAGGAGAACTCGACGTCAACAGGGGCCAGGTCAGCGG-3'
Protein context (NP_870998.2, residues 158-178): FSFPKFSRLR[Arg168Gln]GLKAEAVKGP